The following is an entry in ClinVar:

NM_001164375.3(C10orf105):c.335G>A (p.Arg112Gln)

Genes: C10orf105 (chromosome 10 open reading frame 105; minus strand), CDH23 (cadherin related 23; plus strand). Cytogenetic location: 10q22.1.
Variant type: single nucleotide variant.
Coding change: c.335G>A on transcript NM_001164375.3 (MANE Select); coding-DNA position 335, G replaced by A.
Protein change: p.Arg112Gln; replaces arginine 112 with glutamine.
Molecular consequence: missense variant. On other transcripts: intron variant (2).
Genome position (GRCh38, 1-based): chr10:71,716,003, C>T on the plus strand (G>A on the coding strand, the complement: C10orf105 is on the minus strand). VCF-style: chr10-71716003-C-T. GRCh37 (hg19) VCF-style: chr10-73475760-C-T.
Other names: c.335G>A, p.Arg112Gln (NM_001168390.2); c.3369+3190C>T (NM_022124.6, NM_001171930.2); short protein forms R112Q.
Identifiers: ClinVar variation 3770479 (VCV003770479.13).

ClinVar aggregate classification (germline): Likely benign (1 of 4 stars; one submission).

gnomAD v4.1: 6,542 of 1,500,210 alleles (0.44%); highest among the groups gnomAD compares: Non-Finnish European, 0.54%; 23 homozygotes.

Submission:

CeGaT Center for Human Genetics Tuebingen
Classification: Likely benign. Last evaluated: 2025-11-01. Review status: criteria provided, single submitter. Criteria: CeGaT Center For Human Genetics Tuebingen Variant Classification Criteria Version 2. Collection method: clinical testing. Allele origin: germline. Affected: yes. Observed: 5 variant alleles.
Comment: C10orf105: BP4, BS2